The following is an entry in ClinVar:

NM_006231.4(POLE):c.6133C>T (p.Pro2045Ser)

Gene: POLE (DNA polymerase epsilon, catalytic subunit; minus strand). Cytogenetic location: 12q24.33.
Variant type: single nucleotide variant.
Coding change: c.6133C>T on transcript NM_006231.4 (MANE Select); coding-DNA position 6133, C replaced by T.
Protein change: p.Pro2045Ser; replaces proline 2045 with serine.
Molecular consequence: missense variant.
Genome position (GRCh38, 1-based): chr12:132,632,667, G>A on the plus strand (C>T on the coding strand, the complement: POLE is on the minus strand). VCF-style: chr12-132632667-G-A. GRCh37 (hg19) VCF-style: chr12-133209253-G-A.
Other names: c.6133C>T (NM_006231.2); short protein forms P2045S.
Identifiers: ClinVar variation 1020687 (VCV001020687.8), dbSNP rs910631094, ClinGen allele CA387370205.
Genomic context (GRCh38, chr12:132,632,667, plus strand): 5'-AGAGGAGTTAGGTCACTGGCACATGGCAGTGGCCTCAAAAGACAAAAGACTGCTCACCGG[G>A]AAGGGCTCCGACCGCCCCCTCGGCCTCCTGGGAGAGCTGGCTGGCCCCCCTCCTCCTCAC-3'
Protein context (NP_006222.2, residues 2035-2055): QEAEGAVGAL[Pro2045Ser]GMITFSQDYV

ClinVar aggregate classification (germline): Uncertain significance. Review status: criteria provided, multiple submitters, no conflicts (2 of 4 stars). 2 submissions from 2 submitters: Uncertain significance (2). Last evaluated 2025-09-26.

Conditions:
Hereditary cancer-predisposing syndrome. Also called: Tumor predisposition; Neoplastic Syndromes, Hereditary; Hereditary neoplastic syndrome; Hereditary Cancer Syndrome. Identifiers: Orphanet 140162, MedGen C0027672, MeSH D009386, MONDO:0015356.

Submissions (2):

Ambry Genetics
Classification: Uncertain significance for Hereditary cancer-predisposing syndrome. Last evaluated: 2025-09-26. Review status: criteria provided, single submitter. Criteria: Ambry Variant Classification Scheme 2023. Collection method: clinical testing. Allele origin: germline.

Labcorp Genetics (formerly Invitae), Labcorp
Classification: Uncertain significance. Last evaluated: 2021-09-15. Review status: criteria provided, single submitter. Criteria: Invitae Variant Classification Sherloc (09022015). Collection method: clinical testing. Allele origin: germline.
Comment: Algorithms developed to predict the effect of missense changes on protein structure and function are either unavailable or do not agree on the potential impact of this missense change (SIFT: "Deleterious"; PolyPhen-2: "Benign"; Align-GVGD: "Class C0"). In summary, the available evidence is currently insufficient to determine the role of this variant in disease. Therefore, it has been classified as a Variant of Uncertain Significance. This variant has not been reported in the literature in individuals affected with POLE-related conditions. This sequence change replaces proline with serine at codon 2045 of the POLE protein (p.Pro2045Ser). The proline residue is moderately conserved and there is a moderate physicochemical difference between proline and serine. This variant is not present in population databases (ExAC no frequency).